The following is an entry in ClinVar:

ClinVar aggregate classification (germline): Uncertain significance (1 of 4 stars; one submission).

Submission:

GeneDx
Classification: Uncertain significance. Last evaluated: 2019-08-07. Review status: criteria provided, single submitter. Criteria: GeneDx Variant Classification Process June 2021. Collection method: clinical testing. Allele origin: germline. Affected: yes.
Comment: Not observed in large population cohorts (Lek et al., 2016); In silico analysis, which includes protein predictors and evolutionary conservation, supports a deleterious effect; Has not been previously published as pathogenic or benign to our knowledge

NM_014391.3(ANKRD1):c.79G>T (p.Asp27Tyr)

Gene: ANKRD1 (ankyrin repeat domain 1; minus strand). Cytogenetic location: 10q23.31.
Variant type: single nucleotide variant.
Coding change: c.79G>T on transcript NM_014391.3 (MANE Select); coding-DNA position 79, G replaced by T.
Protein change: p.Asp27Tyr; replaces aspartic acid 27 with tyrosine.
Molecular consequence: missense variant.
Genome position (GRCh38, 1-based): chr10:90,920,297, C>A on the plus strand (G>T on the coding strand, the complement: ANKRD1 is on the minus strand). VCF-style: chr10-90920297-C-A. GRCh37 (hg19) VCF-style: chr10-92680054-C-A.
Other names: short protein forms D27Y.
Identifiers: ClinVar variation 1307345 (VCV001307345.2), dbSNP rs1847422222, ClinGen allele CA377554025.